The following is an entry in ClinVar:

ClinVar aggregate classification (germline): Uncertain significance. Review status: criteria provided, multiple submitters, no conflicts (2 of 4 stars). 3 submissions from 3 submitters: Uncertain significance (3). Last evaluated 2025-09-21.

Conditions:
Cohen syndrome (COH1). Also called: Cutis verticis gyrata, retinitis pigmentosa, and sensorineural deafness; PEPPER SYNDROME. Identifiers: Orphanet 193, MedGen C0265223, MONDO:0008999, OMIM 216550.
VPS13B-related disorder. Also called: VPS13B-related condition.

Allele frequency attached by ClinVar (database versions not stated): TOPMed below 0.00001; gnomAD exomes 0.00001.
gnomAD v4.1: 12 of 1,613,276 alleles (0.00074%); highest among the groups gnomAD compares: African/African-American, 0.0013%; no homozygotes.

Submissions (3):

Labcorp Genetics (formerly Invitae), Labcorp
Classification: Uncertain significance for Cohen syndrome. Last evaluated: 2025-09-21. Review status: criteria provided, single submitter. Criteria: Invitae Variant Classification Sherloc (09022015). Collection method: clinical testing. Allele origin: germline.
Comment: This sequence change replaces arginine, which is basic and polar, with cysteine, which is neutral and slightly polar, at codon 276 of the VPS13B protein (p.Arg276Cys). This variant is present in population databases (no rsID available, gnomAD 0.006%). This variant has not been reported in the literature in individuals affected with VPS13B-related conditions. ClinVar contains an entry for this variant (Variation ID: 624339). Invitae Evidence Modeling of protein sequence and biophysical properties (such as structural, functional, and spatial information, amino acid conservation, physicochemical variation, residue mobility, and thermodynamic stability) indicates that this missense variant is expected to disrupt VPS13B protein function with a positive predictive value of 80%. In summary, the available evidence is currently insufficient to determine the role of this variant in disease. Therefore, it has been classified as a Variant of Uncertain Significance.

PreventionGenetics, part of Exact Sciences
Classification: Uncertain significance for VPS13B-related condition. Last evaluated: 2025-02-20. Review status: criteria provided, single submitter. Criteria: ACMG Guidelines, 2015. Collection method: clinical testing. Allele origin: germline.
Comment: The VPS13B c.826C>T variant is predicted to result in the amino acid substitution p.Arg276Cys. To our knowledge, this variant has not been reported in the literature. This variant is reported in 0.011% of alleles in individuals of East Asian descent in gnomAD. At this time, the clinical significance of this variant is uncertain due to the absence of conclusive functional and genetic evidence.

CeGaT Center for Human Genetics Tuebingen
Classification: Uncertain significance. Last evaluated: 2018-04-01. Review status: criteria provided, single submitter. Criteria: CeGaT Center For Human Genetics Tuebingen Variant Classification Criteria Version 2. Collection method: clinical testing. Allele origin: germline. Affected: yes. Observed: 1 variant allele.

NM_152564.5(VPS13B):c.826C>T (p.Arg276Cys)

Gene: VPS13B (vacuolar protein sorting 13 homolog B; plus strand). Cytogenetic location: 8q22.2.
Variant type: single nucleotide variant.
Coding change: c.826C>T on transcript NM_152564.5 (MANE Select); coding-DNA position 826, C replaced by T.
Protein change: p.Arg276Cys; replaces arginine 276 with cysteine.
Molecular consequence: missense variant. On other transcripts: non-coding transcript variant (1).
Genome position (GRCh38, 1-based): chr8:99,115,763, C>T. VCF-style: chr8-99115763-C-T. GRCh37 (hg19) VCF-style: chr8-100127991-C-T.
Other names: c.826C>T (NM_152564.4); c.826C>T, p.Arg276Cys (NM_015243.3, NM_017890.5, NM_181661.3); short protein forms R276C.
Identifiers: ClinVar variation 624339 (VCV000624339.48), dbSNP rs1297259725, ClinGen allele CA371860486.